The following is an entry in ClinVar:

ClinVar aggregate classification (germline): Uncertain significance (1 of 4 stars; one submission).

Conditions:
Gnathodiaphyseal dysplasia (GDD). Also called: GNATHODIAPHYSEAL SCLEROSIS; OSTEOGENESIS IMPERFECTA WITH UNUSUAL SKELETAL LESIONS. Identifiers: Orphanet 53697, MedGen C1833736, MONDO:0008151, OMIM 166260.
Autosomal recessive limb-girdle muscular dystrophy type 2L (LGMDR12). Also called: Limb-Girdle Muscular Dystrophy R12 Anoctamin-5-Related (LGMD-R12); Limb-girdle muscular dystrophy, type 2L; MUSCULAR DYSTROPHY, LIMB-GIRDLE, AUTOSOMAL RECESSIVE 12. Identifiers: Orphanet 206549, MedGen C1969785, MONDO:0012652, OMIM 611307.

Allele frequency attached by ClinVar (database versions not stated): TOPMed below 0.00001; gnomAD 0.00001.
gnomAD v4.1: 1 of 1,613,462 alleles (0.000062%); highest among the groups gnomAD compares: Non-Finnish European, 0.000085%; no homozygotes.

Submission:

Labcorp Genetics (formerly Invitae), Labcorp
Classification: Uncertain significance for Autosomal recessive limb-girdle muscular dystrophy type 2L; Gnathodiaphyseal dysplasia. Last evaluated: 2023-09-29. Review status: criteria provided, single submitter. Criteria: Invitae Variant Classification Sherloc (09022015). Collection method: clinical testing. Allele origin: germline.
Comment: Advanced modeling of protein sequence and biophysical properties (such as structural, functional, and spatial information, amino acid conservation, physicochemical variation, residue mobility, and thermodynamic stability) performed at Invitae indicates that this missense variant is not expected to disrupt ANO5 protein function. In summary, the available evidence is currently insufficient to determine the role of this variant in disease. Therefore, it has been classified as a Variant of Uncertain Significance. This sequence change replaces threonine, which is neutral and polar, with alanine, which is neutral and non-polar, at codon 774 of the ANO5 protein (p.Thr774Ala). This variant is present in population databases (no rsID available, gnomAD 0.007%). This variant has not been reported in the literature in individuals affected with ANO5-related conditions. ClinVar contains an entry for this variant (Variation ID: 1516665).

NM_213599.3(ANO5):c.2320A>G (p.Thr774Ala)

Gene: ANO5 (anoctamin 5; plus strand). Cytogenetic location: 11p14.3.
Variant type: single nucleotide variant.
Coding change: c.2320A>G on transcript NM_213599.3 (MANE Select); coding-DNA position 2320, A replaced by G.
Protein change: p.Thr774Ala; replaces threonine 774 with alanine.
Molecular consequence: missense variant.
Genome position (GRCh38, 1-based): chr11:22,274,653, A>G. VCF-style: chr11-22274653-A-G. GRCh37 (hg19) VCF-style: chr11-22296199-A-G.
Other names: c.2317A>G, p.Thr773Ala (NM_001142649.2); short protein forms T774A, T773A.
Identifiers: ClinVar variation 1516665 (VCV001516665.6), dbSNP rs1305665401, ClinGen allele CA379924252.